The following is an entry in ClinVar:

ClinVar aggregate classification (germline): Conflicting classifications of pathogenicity. Review status: criteria provided, conflicting classifications (1 of 4 stars). 4 submissions from 4 submitters: Uncertain significance (2); Likely benign (1). 1 of the submissions does not count toward it. Last evaluated 2025-05-07.

Conditions:
ELP1-related disorder. Also called: ELP1-related condition.
Familial dysautonomia. Also called: FD; HSAN III. Identifiers: Orphanet 1764, MedGen C0013364, MONDO:0009131, OMIM 223900. Disease mechanism: loss of function.

Allele frequency attached by ClinVar (database versions not stated): ExAC 0.00001; gnomAD exomes 0.00001 and 0.00005; gnomAD 0.00002; TOPMed 0.00002; ESP Exome Variant Server 0.00015.
gnomAD v4.1: 70 of 1,613,642 alleles (0.0043%); highest among the groups gnomAD compares: Non-Finnish European, 0.0059%; no homozygotes.

Submissions (4):

PreventionGenetics, part of Exact Sciences
Classification: Likely benign for ELP1-related condition. Last evaluated: 2025-05-07. Review status: criteria provided, single submitter. Criteria: ACMG Guidelines, 2015. Collection method: clinical testing. Allele origin: germline.
Comment: This variant is classified as likely benign based on ACMG/AMP sequence variant interpretation guidelines (Richards et al. 2015 PMID: 25741868, with internal and published modifications).

Labcorp Genetics (formerly Invitae), Labcorp
Classification: Uncertain significance. Last evaluated: 2022-05-12. Review status: criteria provided, single submitter. Criteria: Invitae Variant Classification Sherloc (09022015). Collection method: clinical testing. Allele origin: germline.
Comment: This sequence change falls in intron 29 of the ELP1 gene. It does not directly change the encoded amino acid sequence of the ELP1 protein. It affects a nucleotide within the consensus splice site. This variant is present in population databases (rs367771963, gnomAD 0.002%). This variant has not been reported in the literature in individuals affected with ELP1-related conditions. ClinVar contains an entry for this variant (Variation ID: 964658). Variants that disrupt the consensus splice site are a relatively common cause of aberrant splicing (PMID: 17576681, 9536098). Algorithms developed to predict the effect of sequence changes on RNA splicing suggest that this variant is not likely to affect RNA splicing. In summary, the available evidence is currently insufficient to determine the role of this variant in disease. Therefore, it has been classified as a Variant of Uncertain Significance.

Ambry Genetics
Classification: Uncertain significance. Last evaluated: 2021-10-18. Review status: criteria provided, single submitter. Criteria: Ambry Variant Classification Scheme 2023. Collection method: clinical testing. Allele origin: germline.
Comment: The c.3222+4A>T intronic variant results from an A to T substitution 4 nucleotides after coding exon 28 in the IKBKAP gene. This nucleotide position is well conserved in available vertebrate species. In silico splice site analysis predicts that this alteration will not have any significant effect on splicing. Since supporting evidence is limited at this time, the clinical significance of this alteration remains unclear.

Natera, Inc.
Classification: Uncertain significance for Familial dysautonomia. Last evaluated: 2020-05-11. Review status: no assertion criteria provided. Collection method: clinical testing. Allele origin: germline. Not counted in ClinVar's aggregate classification.

Literature cited by the submitters: PubMed 17576681 (cited by Labcorp Genetics (formerly Invitae), Labcorp); PubMed 9536098 (cited by Labcorp Genetics (formerly Invitae), Labcorp).

NM_003640.5(ELP1):c.3222+4A>T

Gene: ELP1 (elongator acetyltransferase complex subunit 1; minus strand). Cytogenetic location: 9q31.3.
Variant type: single nucleotide variant.
Coding change: c.3222+4A>T on transcript NM_003640.5 (MANE Select); 4 bases into the intron after coding-DNA position 3222, A replaced by T.
Molecular consequence: intron variant.
Genome position (GRCh38, 1-based): chr9:108,889,328, T>A on the plus strand (A>T on the coding strand, the complement: ELP1 is on the minus strand). VCF-style: chr9-108889328-T-A. GRCh37 (hg19) VCF-style: chr9-111651608-T-A.
Other names: c.3222+4A>T (NM_003640.4); c.2880+4A>T (NM_001318360.2); c.2175+4A>T (NM_001330749.2).
Identifiers: ClinVar variation 964658 (VCV000964658.6), dbSNP rs367771963, ClinGen allele CA5174383.